The following is an entry in ClinVar:

NM_173598.6(KSR2):c.1096C>T (p.Arg366Cys)

Gene: KSR2 (kinase suppressor of ras 2; minus strand). Cytogenetic location: 12q24.22.
Variant type: single nucleotide variant.
Coding change: c.1096C>T on transcript NM_173598.6 (MANE Select); coding-DNA position 1096, C replaced by T.
Protein change: p.Arg366Cys; replaces arginine 366 with cysteine.
Molecular consequence: missense variant.
Genome position (GRCh38, 1-based): chr12:117,667,549, G>A on the plus strand (C>T on the coding strand, the complement: KSR2 is on the minus strand). VCF-style: chr12-117667549-G-A. GRCh37 (hg19) VCF-style: chr12-118105354-G-A.
Other names: short protein forms R366C.
Identifiers: ClinVar variation 3040287 (VCV003040287.3), dbSNP rs373055394, ClinGen allele CA6816142.

ClinVar aggregate classification (germline): Uncertain significance (1 of 4 stars; one submission).

Conditions:
KSR2-related disorder. Also called: KSR2-related condition.

Allele frequency attached by ClinVar (database versions not stated): gnomAD 0.00003; TOPMed 0.00005; ExAC 0.00007; ESP Exome Variant Server 0.00016.
gnomAD v4.1: 20 of 1,613,026 alleles (0.0012%); highest among the groups gnomAD compares: African/African-American, 0.012%; no homozygotes.

Submission:

PreventionGenetics, part of Exact Sciences
Classification: Uncertain significance for KSR2-related condition. Last evaluated: 2026-08-24. Review status: criteria provided, single submitter. Criteria: ACMG Guidelines, 2015. Collection method: clinical testing. Allele origin: germline.
Comment: The KSR2 c.1009C>T variant is predicted to result in the amino acid substitution p.Arg337Cys. To our knowledge, this variant has not been reported in the literature. This variant is reported in 0.013% of alleles in individuals of African descent in gnomAD. At this time, the clinical significance of this variant is uncertain due to the absence of conclusive functional and genetic evidence.